The following is an entry in ClinVar:

NM_001365951.3(KIF1B):c.3827C>T (p.Ala1276Val)

Gene: KIF1B (kinesin family member 1B; plus strand). Cytogenetic location: 1p36.22.
Variant type: single nucleotide variant.
Coding change: c.3827C>T on transcript NM_001365951.3 (MANE Select); coding-DNA position 3827, C replaced by T.
Protein change: p.Ala1276Val; replaces alanine 1276 with valine.
Molecular consequence: missense variant.
Genome position (GRCh38, 1-based): chr1:10,347,790, C>T. VCF-style: chr1-10347790-C-T. GRCh37 (hg19) VCF-style: chr1-10407848-C-T.
Other names: c.3827C>T, p.Ala1276Val (NM_001365952.1); c.3689C>T, p.Ala1230Val (NM_015074.3); short protein forms A1276V, A1230V.
Identifiers: ClinVar variation 1379326 (VCV001379326.12), dbSNP rs747752091, ClinGen allele CA581893.

ClinVar aggregate classification (germline): Uncertain significance. Review status: criteria provided, multiple submitters, no conflicts (2 of 4 stars). 4 submissions from 4 submitters: Uncertain significance (4). Last evaluated 2026-02-02.

Conditions:
Charcot-Marie-Tooth disease type 2A1. Also called: CHARCOT-MARIE-TOOTH DISEASE, AXONAL, TYPE 2A1; CHARCOT-MARIE-TOOTH DISEASE, AXONAL, AUTOSOMAL DOMINANT, TYPE 2A1; CHARCOT-MARIE-TOOTH DISEASE, NEURONAL, TYPE 2A1; CHARCOT-MARIE-TOOTH NEUROPATHY, TYPE 2A1; HEREDITARY MOTOR AND SENSORY NEUROPATHY IIA1. Identifiers: Orphanet 99946, MedGen C1861678, MONDO:0007308, OMIM 118210.
Neuroblastoma, susceptibility to, 1. Identifiers: MedGen C2749485, MONDO:0009741, OMIM 256700.
Charcot-Marie-Tooth disease type 2. Also called: Charcot-Marie-Tooth type 2. Identifiers: Orphanet 64746, MedGen C0270914, MONDO:0018993.

Allele frequency attached by ClinVar (database versions not stated): TOPMed below 0.00001; ExAC 0.00001; gnomAD exomes 0.00001.
gnomAD v4.1: 8 of 1,613,338 alleles (0.0005%); highest among the groups gnomAD compares: Admixed American, 0.005%; no homozygotes.

Submissions (4):

Labcorp Genetics (formerly Invitae), Labcorp
Classification: Uncertain significance for Charcot-Marie-Tooth disease type 2. Last evaluated: 2026-02-02. Review status: criteria provided, single submitter. Criteria: Invitae Variant Classification Sherloc (09022015). Collection method: clinical testing. Allele origin: germline.
Comment: This sequence change replaces alanine, which is neutral and non-polar, with valine, which is neutral and non-polar, at codon 1230 of the KIF1B protein (p.Ala1230Val). This variant is present in population databases (rs747752091, gnomAD 0.006%). This variant has not been reported in the literature in individuals affected with KIF1B-related conditions. ClinVar contains an entry for this variant (Variation ID: 1379326). An algorithm developed to predict the effect of missense changes on protein structure and function (PolyPhen-2) suggests that this variant is likely to be tolerated. Algorithms developed to predict the effect of sequence changes on RNA splicing suggest that this variant may disrupt the consensus splice site. In summary, the available evidence is currently insufficient to determine the role of this variant in disease. Therefore, it has been classified as a Variant of Uncertain Significance.

Ambry Genetics
Classification: Uncertain significance. Last evaluated: 2025-08-24. Review status: criteria provided, single submitter. Criteria: Ambry Variant Classification Scheme 2023. Collection method: clinical testing. Allele origin: germline.

Women's Health and Genetics/Laboratory Corporation of America, LabCorp
Classification: Uncertain significance. Last evaluated: 2024-09-30. Review status: criteria provided, single submitter. Criteria: LabCorp Variant Classification Summary - May 2015. Collection method: clinical testing. Allele origin: germline.
Comment: Variant summary: KIF1B c.3689C>T (p.Ala1230Val) results in a non-conservative amino acid change in the encoded protein sequence. Three of five in-silico tools predict a benign effect of the variant on protein function. The variant allele was found at a frequency of 1.2e-05 in 251380 control chromosomes. The available data on variant occurrences in the general population are insufficient to allow any conclusion about variant significance. To our knowledge, no occurrence of c.3689C>T in individuals affected with Charcot-Marie-Tooth disease type 2A1 and no experimental evidence demonstrating its impact on protein function have been reported. ClinVar contains an entry for this variant (Variation ID: 1379326). Based on the evidence outlined above, the variant was classified as uncertain significance.

Fulgent Genetics
Classification: Uncertain significance for Charcot-Marie-Tooth disease type 2A1; Neuroblastoma, susceptibility to, 1. Last evaluated: 2024-02-01. Review status: criteria provided, single submitter. Criteria: ACMG Guidelines, 2015. Collection method: clinical testing. Allele origin: germline.